The following is an entry in ClinVar:

ClinVar aggregate classification (germline): Benign/Likely benign. Review status: criteria provided, multiple submitters, no conflicts (2 of 4 stars). 10 submissions from 9 submitters: Benign (9); Likely benign (1). Last evaluated 2026-02-01.

Conditions:
Kidney disorder. Also called: renal disease; Kidney disease; Kidney Diseases; Nephropathy; renal disorder. Identifiers: MedGen C0022658, MONDO:0005240, HP:0000112.
Nephronophthisis. Also called: Juvenile Nephronophthisis. Identifiers: Orphanet 655, MedGen C0687120, MONDO:0019005, HP:0000090.
Nephronophthisis 4 (NPHP4). Also called: NEPHRONOPHTHISIS 4, JUVENILE. Identifiers: Orphanet 655, MedGen C1847013, MONDO:0011752, OMIM 606966.
Senior-Loken syndrome 4 (SLSN4). Identifiers: Orphanet 3156, MedGen C1846979, MONDO:0011756, OMIM 606996.

Allele frequency attached by ClinVar (database versions not stated): ExAC 0.00873; 1000 Genomes Project 30x 0.03232; gnomAD exomes 0.00671 and 0.00293; gnomAD 0.03032 and 0.02816; ESP Exome Variant Server 0.03011; 1000 Genomes Project 0.03075; TOPMed 0.03246.
gnomAD v4.1: 8,677 of 1,603,148 alleles (0.54%); highest among the groups gnomAD compares: African/African-American, 9.8%; 369 homozygotes.

Submissions (10):

Labcorp Genetics (formerly Invitae), Labcorp
Classification: Benign for Nephronophthisis. Last evaluated: 2026-02-01. Review status: criteria provided, single submitter. Criteria: Invitae Variant Classification Sherloc (09022015). Collection method: clinical testing. Allele origin: germline.

Mayo Clinic Laboratories, Mayo Clinic
Classification: Benign. Last evaluated: 2022-11-06. Review status: criteria provided, single submitter. Criteria: ACMG Guidelines, 2015. Collection method: clinical testing. Allele origin: germline. Observed: 33 variant alleles.

Fulgent Genetics
Classification: Likely benign for Nephronophthisis 4; Senior-Loken syndrome 4. Last evaluated: 2021-08-09. Review status: criteria provided, single submitter. Criteria: ACMG Guidelines, 2015. Collection method: clinical testing. Allele origin: unknown.

GeneDx
Classification: Benign. Last evaluated: 2021-05-04. Review status: criteria provided, single submitter. Criteria: GeneDx Variant Classification Process June 2021. Collection method: clinical testing. Allele origin: germline. Affected: yes.

Genome Diagnostics Laboratory, The Hospital for Sick Children
Classification: Benign for Kidney disorder. Last evaluated: 2018-06-01. Review status: criteria provided, single submitter. Criteria: ACMG Guidelines, 2015. Collection method: clinical testing. Allele origin: germline.

Illumina Laboratory Services, Illumina
Classification: Benign for Senior-Loken syndrome 4. Last evaluated: 2018-01-12. Review status: criteria provided, single submitter. Criteria: ICSL Variant Classification Criteria 13 December 2019. Collection method: clinical testing. Allele origin: germline.
Comment: This variant was observed in the ICSL laboratory as part of a predisposition screen in an ostensibly healthy population. It had not been previously curated by ICSL or reported in the Human Gene Mutation Database (HGMD: prior to June 1st, 2018), and was therefore a candidate for classification through an automated scoring system. Utilizing variant allele frequency, disease prevalence and penetrance estimates, and inheritance mode, an automated score was calculated to assess if this variant is too frequent to cause the disease. Based on the score and internal cut-off values, a variant classified as benign is not then subjected to further curation. The score for this variant resulted in a classification of benign for this disease.

Illumina Laboratory Services, Illumina
Classification: Benign for Nephronophthisis 4. Last evaluated: 2018-01-12. Review status: criteria provided, single submitter. Criteria: ICSL Variant Classification Criteria 13 December 2019. Collection method: clinical testing. Allele origin: germline.
Comment: the same text as in the submission from Illumina Laboratory Services, Illumina above.

Eurofins Ntd Llc (ga)
Classification: Benign. Last evaluated: 2013-10-04. Review status: criteria provided, single submitter. Criteria: EGL Classification Definitions 2015. Collection method: clinical testing. Allele origin: germline. Observed: 2 variant alleles, 2 heterozygotes.

Breakthrough Genomics
Classification: Benign. Review status: criteria provided, single submitter. Criteria: ACMG Guidelines, 2015. Collection method: not provided. Allele origin: germline. Inheritance: Autosomal recessive inheritance. Affected: yes.

PreventionGenetics, part of Exact Sciences
Classification: Benign. Review status: criteria provided, single submitter. Criteria: ACMG Guidelines, 2015. Collection method: clinical testing. Allele origin: germline.

NM_015102.5(NPHP4):c.2724G>A (p.Ser908=)

Gene: NPHP4 (nephrocystin 4; minus strand). Cytogenetic location: 1p36.31.
Variant type: single nucleotide variant.
Coding change: c.2724G>A on transcript NM_015102.5 (MANE Select); coding-DNA position 2724, G replaced by A.
Protein change: p.Ser908=; no amino-acid change (serine 908 retained).
Molecular consequence: synonymous variant. On other transcripts: non-coding transcript variant (1).
Genome position (GRCh38, 1-based): chr1:5,877,186, C>T on the plus strand (G>A on the coding strand, the complement: NPHP4 is on the minus strand). VCF-style: chr1-5877186-C-T. GRCh37 (hg19) VCF-style: chr1-5937246-C-T.
Other names: p.Ser908=; c.1185G>A, p.Ser395= (NM_001291593.2); c.1188G>A, p.Ser396= (NM_001291594.2).
Identifiers: ClinVar variation 95678 (VCV000095678.27), dbSNP rs114545322, ClinGen allele CA148741.